The following is an entry in ClinVar:

NM_001377295.2(GNAT2):c.821_822del (p.Leu273_Phe274insTer)

Gene: GNAT2 (G protein subunit alpha transducin 2; minus strand). Cytogenetic location: 1p13.3.
Variant type: Deletion.
Coding change: c.821_822del on transcript NM_001377295.2 (MANE Select); coding-DNA positions 821 to 822, 2 bases deleted (TT; older notation c.821_822delTT).
Protein change: p.Leu273_Phe274insTer.
Molecular consequence: nonsense.
Genome position (GRCh38, 1-based): chr1:109,604,003-109,604,004, AA deleted on the plus strand (TT on the coding strand, the reverse complement: GNAT2 is on the minus strand); deleting any 2 consecutive bases within chr1:109,604,003-109,604,005 gives the same sequence; the c. name uses the placement nearest the transcript's 3' end. VCF-style (leftmost placement, unchanged base first): chr1-109604002-CAA-C. GRCh37 (hg19) VCF-style: chr1-110146624-CAA-C.
Other names: c.821_822del, p.Leu273_Phe274insTer (NM_001379232.1, NM_005272.5).
Identifiers: ClinVar variation 2065503 (VCV002065503.4), dbSNP rs769421063, ClinGen allele CA992307.
Genomic context (GRCh38, chr1:109,604,002, plus strand): 5'-GACACTTACCATCATACTCTGGAAAACAAATGCTGAGATGGACTTTCTTGATTTTTTCCT[CAA>C]AGAGGTCCTTCTTGTTGAGAAAGAGGACAATGGAAGTAGCCGCAAAGAATTTGTGGTTAC-3'

ClinVar aggregate classification (germline): Pathogenic (1 of 4 stars; one submission).

Submission:

Labcorp Genetics (formerly Invitae), Labcorp
Classification: Pathogenic. Last evaluated: 2024-10-29. Review status: criteria provided, single submitter. Criteria: Invitae Variant Classification Sherloc (09022015). Collection method: clinical testing. Allele origin: germline.
Comment: This sequence change creates a premature translational stop signal (p.Phe274*) in the GNAT2 gene. It is expected to result in an absent or disrupted protein product. Loss-of-function variants in GNAT2 are known to be pathogenic (PMID: 12077706). This variant is present in population databases (rs769421063, gnomAD 0.01%). This variant has not been reported in the literature in individuals affected with GNAT2-related conditions. ClinVar contains an entry for this variant (Variation ID: 2065503). For these reasons, this variant has been classified as Pathogenic.

Literature cited by the submitters: PubMed 12077706.